The following continues an entry in ClinVar:

NM_000284.4(PDHA1):c.934_940del (p.Ser312fs)

Gene: PDHA1. ClinVar aggregate classification (germline): Pathogenic. Pathogenic (13).

Submissions 13 to 15 of 15:

CeGaT Center for Human Genetics Tuebingen
Classification: Pathogenic. Last evaluated: 2019-05-01. Review status: criteria provided, single submitter. Criteria: CeGaT Center For Human Genetics Tuebingen Variant Classification Criteria Version 2. Collection method: clinical testing. Allele origin: germline. Affected: yes. Observed: 3 variant alleles.

PDHA1 Study Group, University Children’s Hospital, Paracelsus Medical University
Classification: Pathogenic for Pyruvate dehydrogenase E1-alpha deficiency. Last evaluated: 2024-10-15. Review status: no assertion criteria provided. Collection method: research. Allele origin: de novo. Affected: yes. Observed: 25 variant alleles. Not counted in ClinVar's aggregate classification.
Comment: The NM_000284.3:c.934_940del (p.Ser312ValfsTer12) change is a frameshift variant in the PDHA1 gene. This variant is predicted to result in nonsense-mediated decay (NMD). It is absent or extremely rare in population-based cohorts in the Genome Aggregation Database (gnomAD). In total, 25 individuals diagnosed with PDHA1-related pyruvate dehydrogenase complex (PDHc) deficiency (MIM #312170) harbor this variant, including 24 females. Among these, 12 cases have confirmed de novo occurrence. The variant is reported in 15 published cases (PMIDs: 2378353, 14729417, 8504306, 7887409, 8962591, 10679936, 11870584, 23021068, 25356417, 27144126, 28918066, 20002461, 34863613), with an additional 10 unpublished cases from internal data. The last literature search is conducted on July 12, 2024. Individuals present with clinical features consistent with PDHA1-related PDHc deficiency. Based on the ACMG/AMP criteria applied (PVS1, PS3, PM2, PM7), this variant is classified as pathogenic (P) (last assessment October 15, 2024).

OMIM
Classification: Pathogenic for PYRUVATE DEHYDROGENASE E1-ALPHA DEFICIENCY. Last evaluated: 2021-01-12. Review status: no assertion criteria provided. Collection method: literature only. Allele origin: germline. Not counted in ClinVar's aggregate classification.

Literature cited by the submitters: PubMed 7887409 (cited by Victorian Clinical Genetics Services, Murdoch Childrens Research Institute and PDHA1 Study Group, University Children’s Hospital, Paracelsus Medical University); PubMed 22142326 (cited by Victorian Clinical Genetics Services, Murdoch Childrens Research Institute); PubMed 2378353 (cited by 6 submitters); PubMed 27144126 (cited by 4 submitters); PubMed 25356417 (cited by Victorian Clinical Genetics Services, Murdoch Childrens Research Institute and PDHA1 Study Group, University Children’s Hospital, Paracelsus Medical University); PubMed 10679936 (cited by Variantyx, Inc. and PDHA1 Study Group, University Children’s Hospital, Paracelsus Medical University); PubMed 21914562 (cited by Variantyx, Inc.); PubMed 33768920 (cited by Variantyx, Inc. and Genetics and Molecular Pathology, SA Pathology); PubMed 34863613 (cited by 3 submitters); PubMed 8504306 (cited by 3 submitters); PubMed 1907799 (cited by Labcorp Genetics (formerly Invitae), Labcorp); PubMed 30842224 (cited by Genetics and Molecular Pathology, SA Pathology); PubMed 14729417 (cited by PDHA1 Study Group, University Children’s Hospital, Paracelsus Medical University); PubMed 8962591 (cited by PDHA1 Study Group, University Children’s Hospital, Paracelsus Medical University); PubMed 11870584 (cited by PDHA1 Study Group, University Children’s Hospital, Paracelsus Medical University); PubMed 23021068 (cited by PDHA1 Study Group, University Children’s Hospital, Paracelsus Medical University); PubMed 28918066 (cited by PDHA1 Study Group, University Children’s Hospital, Paracelsus Medical University); PubMed 20002461 (cited by PDHA1 Study Group, University Children’s Hospital, Paracelsus Medical University); DOI 10.1093/brain/awaf430 (cited by PDHA1 Study Group, University Children’s Hospital, Paracelsus Medical University); PubMed 7887408 (cited by OMIM).